The following is an entry in ClinVar:

NM_000466.3(PEX1):c.273+2T>G

Gene: PEX1 (peroxisomal biogenesis factor 1; minus strand). Cytogenetic location: 7q21.2.
Variant type: single nucleotide variant.
Coding change: c.273+2T>G on transcript NM_000466.3 (MANE Select); the canonical splice donor site of the intron after coding-DNA position 273, T replaced by G.
Molecular consequence: splice donor variant.
Genome position (GRCh38, 1-based): chr7:92,522,100, A>C on the plus strand (T>G on the coding strand, the complement: PEX1 is on the minus strand). VCF-style: chr7-92522100-A-C. GRCh37 (hg19) VCF-style: chr7-92151414-A-C.
Other names: c.273+2T>G (NM_001282677.2); c.-387+2T>G (NM_001282678.2).
Identifiers: ClinVar variation 2118742 (VCV002118742.5), dbSNP rs1793074319, ClinGen allele CA368204640.
Genomic context (GRCh38, chr7:92,522,100, plus strand): 5'-TTTATTTCTATTGCTATATTATGTGATATTAGAAGAAAGTTATTGCCATCACATGTGCTT[A>C]CCTGTCCCCCATTTGAGAGTCCAAGTTTTTGACCAACTTGTCTGTTAATTTCAGCCACAT-3'

ClinVar aggregate classification (germline): Likely pathogenic. Review status: criteria provided, multiple submitters, no conflicts (2 of 4 stars). 2 submissions from 2 submitters: Likely pathogenic (2). Last evaluated 2023-04-08.

Conditions:
Zellweger spectrum disorders (ZS). Also called: Zellweger Spectrum Disorder; Zellweger Spectrum; Zellweger Spectrum Disorder (ZSD); Zellweger syndrome. Identifiers: Orphanet 912, MedGen C0043459, MONDO:0019609.
Heimler syndrome 1 (HMLR1). Also called: PEROXISOME BIOGENESIS DISORDER 1C. Identifiers: Orphanet 3220, MedGen C4551980, OMIM 234580, MONDO:0024544.

Submissions (2):

Baylor Genetics
Classification: Likely pathogenic for Heimler syndrome 1. Last evaluated: 2023-04-08. Review status: criteria provided, single submitter. Criteria: ACMG Guidelines, 2015. Collection method: clinical testing. Allele origin: unknown.

Labcorp Genetics (formerly Invitae), Labcorp
Classification: Likely pathogenic for Zellweger spectrum disorders. Last evaluated: 2022-03-28. Review status: criteria provided, single submitter. Criteria: Invitae Variant Classification Sherloc (09022015). Collection method: clinical testing. Allele origin: germline.
Comment: In summary, the currently available evidence indicates that the variant is pathogenic, but additional data are needed to prove that conclusively. Therefore, this variant has been classified as Likely Pathogenic. Algorithms developed to predict the effect of sequence changes on RNA splicing suggest that this variant may disrupt the consensus splice site. This variant has not been reported in the literature in individuals affected with PEX1-related conditions. This variant is not present in population databases (gnomAD no frequency). This sequence change affects a donor splice site in intron 2 of the PEX1 gene. It is expected to disrupt RNA splicing. Variants that disrupt the donor or acceptor splice site typically lead to a loss of protein function (PMID: 16199547), and loss-of-function variants in PEX1 are known to be pathogenic (PMID: 9398847, 16086329, 16141001, 21031596, 26387595, 31831025).

Literature cited by the submitters: PubMed 16199547 (cited by Labcorp Genetics (formerly Invitae), Labcorp); PubMed 9398847 (cited by Labcorp Genetics (formerly Invitae), Labcorp); PubMed 16086329 (cited by Labcorp Genetics (formerly Invitae), Labcorp); PubMed 16141001 (cited by Labcorp Genetics (formerly Invitae), Labcorp); PubMed 21031596 (cited by Labcorp Genetics (formerly Invitae), Labcorp); PubMed 26387595 (cited by Labcorp Genetics (formerly Invitae), Labcorp); PubMed 31831025 (cited by Labcorp Genetics (formerly Invitae), Labcorp).